The following is an entry in ClinVar:

NM_025215.6(PUS1):c.993C>T (p.Leu331=)

Gene: PUS1 (pseudouridine synthase 1; plus strand). Cytogenetic location: 12q24.33.
Variant type: single nucleotide variant.
Coding change: c.993C>T on transcript NM_025215.6 (MANE Select); coding-DNA position 993, C replaced by T.
Protein change: p.Leu331=; no amino-acid change (leucine 331 retained).
Molecular consequence: synonymous variant.
Genome position (GRCh38, 1-based): chr12:131,941,740, C>T. VCF-style: chr12-131941740-C-T. GRCh37 (hg19) VCF-style: chr12-132426285-C-T.
Other names: c.909C>T, p.Leu303= (NM_001002019.3, NM_001002020.3).
Identifiers: ClinVar variation 1125706 (VCV001125706.31), dbSNP rs139335343, ClinGen allele CA6884290.

ClinVar aggregate classification (germline): Likely benign. Review status: criteria provided, multiple submitters, no conflicts (2 of 4 stars). 2 submissions from 2 submitters: Likely benign (2). Last evaluated 2025-12-10.

Allele frequency attached by ClinVar (database versions not stated): gnomAD 0.00001; ExAC 0.00002; gnomAD exomes 0.00002 and 0.00005; TOPMed 0.00002; ESP Exome Variant Server 0.00008.
gnomAD v4.1: 36 of 1,613,986 alleles (0.0022%); highest among the groups gnomAD compares: Middle Eastern, 0.016%; 1 homozygote.

Submissions (2):

Labcorp Genetics (formerly Invitae), Labcorp
Classification: Likely benign. Last evaluated: 2025-12-10. Review status: criteria provided, single submitter. Criteria: Invitae Variant Classification Sherloc (09022015). Collection method: clinical testing. Allele origin: germline.

CeGaT Center for Human Genetics Tuebingen
Classification: Likely benign. Last evaluated: 2025-07-01. Review status: criteria provided, single submitter. Criteria: CeGaT Center For Human Genetics Tuebingen Variant Classification Criteria Version 2. Collection method: clinical testing. Allele origin: germline. Affected: yes. Observed: 2 variant alleles.
Comment: PUS1: BP4, BP7